The following is an entry in ClinVar:

NM_058216.3(RAD51C):c.242C>T (p.Ser81Leu)

Gene: RAD51C (RAD51 paralog C; plus strand). Cytogenetic location: 17q22.
Variant type: single nucleotide variant.
Coding change: c.242C>T on transcript NM_058216.3 (MANE Select); coding-DNA position 242, C replaced by T.
Protein change: p.Ser81Leu; replaces serine 81 with leucine.
Molecular consequence: missense variant. On other transcripts: non-coding transcript variant (2).
Genome position (GRCh38, 1-based): chr17:58,695,027, C>T. VCF-style: chr17-58695027-C-T. GRCh37 (hg19) VCF-style: chr17-56772388-C-T.
Other names: c.242C>T, p.Ser81Leu (NM_002876.4); short protein forms S81L.
Identifiers: ClinVar variation 482182 (VCV000482182.20), dbSNP rs1555593587, ClinGen allele CA400340327.

ClinVar aggregate classification (germline): Conflicting classifications of pathogenicity. Review status: criteria provided, conflicting classifications (1 of 4 stars). 4 submissions from 4 submitters: Uncertain significance (3); Benign (1). Last evaluated 2025-10-17.

Conditions:
Hereditary cancer-predisposing syndrome. Also called: Hereditary neoplastic syndrome; Neoplastic Syndromes, Hereditary; Tumor predisposition; Hereditary Cancer Syndrome. Identifiers: Orphanet 140162, MedGen C0027672, MeSH D009386, MONDO:0015356.
Fanconi anemia complementation group O. Also called: RAD51C-Related Fanconi Anemia. Identifiers: Orphanet 84, MedGen C3150653, MONDO:0013248, OMIM 613390.

Submissions (4):

Ambry Genetics
Classification: Benign for Hereditary cancer-predisposing syndrome. Last evaluated: 2025-10-17. Review status: criteria provided, single submitter. Criteria: Ambry Variant Classification Scheme 2023. Collection method: clinical testing. Allele origin: germline.

Color Diagnostics, LLC DBA Color Health
Classification: Uncertain significance for Hereditary cancer-predisposing syndrome. Last evaluated: 2024-03-06. Review status: criteria provided, single submitter. Criteria: ACMG Guidelines, 2015. Collection method: clinical testing. Allele origin: germline.
Comment: This missense variant replaces serine with leucine at codon 81 of the RAD51C protein. Computational prediction tool suggests that this variant may not impact protein structure and function (internally defined REVEL score threshold <=0.5, PMID: 27666373). Splice site prediction tools suggest that this variant may not impact RNA splicing. To our knowledge, functional studies have not been performed for this variant. This variant has not been reported in individuals affected with hereditary cancer in the literature. This variant has not been identified in the general population by the Genome Aggregation Database (gnomAD). The available evidence is insufficient to determine the role of this variant in disease conclusively. Therefore, this variant is classified as a Variant of Uncertain Significance.

GeneDx
Classification: Uncertain significance. Last evaluated: 2023-05-25. Review status: criteria provided, single submitter. Criteria: GeneDx Variant Classification Process June 2021. Collection method: clinical testing. Allele origin: germline. Affected: yes.
Comment: Not observed at significant frequency in large population cohorts (gnomAD); In silico analysis supports that this missense variant does not alter protein structure/function; Has not been previously published as pathogenic or benign to our knowledge; This variant is associated with the following publications: (PMID: 14704354)

Labcorp Genetics (formerly Invitae), Labcorp
Classification: Uncertain significance for Fanconi anemia complementation group O. Last evaluated: 2022-01-12. Review status: criteria provided, single submitter. Criteria: Invitae Variant Classification Sherloc (09022015). Collection method: clinical testing. Allele origin: germline.
Comment: This variant has not been reported in the literature in individuals affected with RAD51C-related conditions. This variant is not present in population databases (gnomAD no frequency). This sequence change replaces serine, which is neutral and polar, with leucine, which is neutral and non-polar, at codon 81 of the RAD51C protein (p.Ser81Leu). ClinVar contains an entry for this variant (Variation ID: 482182). In summary, the available evidence is currently insufficient to determine the role of this variant in disease. Therefore, it has been classified as a Variant of Uncertain Significance. Algorithms developed to predict the effect of missense changes on protein structure and function (SIFT, PolyPhen-2, Align-GVGD) all suggest that this variant is likely to be tolerated.